The following is an entry in ClinVar:

ClinVar aggregate classification (germline): Likely benign (1 of 4 stars; one submission).

gnomAD v4.1: 5 of 1,613,534 alleles (0.00031%); highest among the groups gnomAD compares: South Asian, 0.0011%; no homozygotes.

Submission:

CeGaT Center for Human Genetics Tuebingen
Classification: Likely benign. Last evaluated: 2025-12-01. Review status: criteria provided, single submitter. Criteria: CeGaT Center For Human Genetics Tuebingen Variant Classification Criteria Version 2. Collection method: clinical testing. Allele origin: germline. Affected: yes. Observed: 1 variant allele.
Comment: TRPM3: BP4

NM_001366145.2(TRPM3):c.4142G>C (p.Ser1381Thr)

Genes: TRPM3 (transient receptor potential cation channel subfamily M member 3; minus strand), KLF9-DT (KLF9 divergent transcript; plus strand). Cytogenetic location: 9q21.12.
Variant type: single nucleotide variant.
Coding change: c.4142G>C on transcript NM_001366145.2 (MANE Select); coding-DNA position 4142, G replaced by C.
Protein change: p.Ser1381Thr; replaces serine 1381 with threonine.
Molecular consequence: missense variant. On other transcripts: intron variant (8).
Genome position (GRCh38, 1-based): chr9:70,536,971, C>G on the plus strand (G>C on the coding strand, the complement: TRPM3 is on the minus strand). VCF-style: chr9-70536971-C-G. GRCh37 (hg19) VCF-style: chr9-73151887-C-G.
Other names: c.4217G>C, p.Ser1406Thr (NM_001366147.2); c.4112G>C, p.Ser1371Thr (NM_001366149.2, NM_001366141.2); c.3647G>C, p.Ser1216Thr (NM_020952.6); c.3683G>C, p.Ser1228Thr (NM_024971.7); c.3617G>C, p.Ser1206Thr (NM_206944.5); c.3653G>C, p.Ser1218Thr (NM_206945.5); c.3722G>C, p.Ser1241Thr (NM_206946.5); c.3692G>C, p.Ser1231Thr (NM_206947.5); and 9 more; short protein forms S1206T, S1216T, S1218T, S1228T, S1231T, S1241T, S1369T, S1371T.
Identifiers: ClinVar variation 4534501 (VCV004534501.6).